The following is an entry in ClinVar:

NM_000235.4(LIPA):c.894+1G>A

Gene: LIPA (lipase A, lysosomal acid type; minus strand). Cytogenetic location: 10q23.31.
Variant type: single nucleotide variant.
Coding change: c.894+1G>A on transcript NM_000235.4 (MANE Select); the canonical splice donor site of the intron after coding-DNA position 894, G replaced by A.
Molecular consequence: splice donor variant.
Genome position (GRCh38, 1-based): chr10:89,222,510, C>T on the plus strand (G>A on the coding strand, the complement: LIPA is on the minus strand). VCF-style: chr10-89222510-C-T. GRCh37 (hg19) VCF-style: chr10-90982267-C-T.
Other names: IVS8, G-A, +1; c.546+1G>A (NM_001288979.2); c.894+1G>A (NM_001127605.3).
Identifiers: ClinVar variation 81 (VCV000000081.8), dbSNP rs1564751995, ClinGen allele CA377516634.

ClinVar aggregate classification (germline): Pathogenic. Review status: criteria provided, multiple submitters, no conflicts (2 of 4 stars). 3 submissions from 3 submitters: Pathogenic (2). 1 of the submissions does not count toward it. Last evaluated 2025-10-19.

Conditions:
Lysosomal acid lipase deficiency. Also called: Acid cholesteryl ester hydrolase deficiency, type 2. Identifiers: Orphanet 275761, MedGen C5574740, MONDO:0800449, MONDO:0010204.
Wolman disease (WOLD). Also called: LYSOSOMAL ACID LIPASE DEFICIENCY, ACUTE INFANTILE; LYSOSOMAL ACID LIPASE DEFICIENCY, COMPLETE; LIPA DEFICIENCY, COMPLETE; LAL DEFICIENCY, COMPLETE; CHOLESTEROL ESTER HYDROLASE DEFICIENCY, COMPLETE; Infantile-Onset LAL-D (Wolman Disease). Identifiers: Orphanet 75233, MedGen C0043208, MONDO:0019148, OMIM 620151.

Allele frequency attached by ClinVar (database versions not stated): gnomAD exomes below 0.00001.
gnomAD v4.1: 1 of 1,602,796 alleles (0.000062%); highest among the groups gnomAD compares: Non-Finnish European, 0.000085%; no homozygotes.

Submissions (3):

Natera, Inc.
Classification: Pathogenic for Lysosomal acid lipase deficiency. Last evaluated: 2025-10-19. Review status: criteria provided, single submitter. Criteria: Natera Variant Classification Schema (03/2026). Collection method: clinical testing. Allele origin: germline.
Comment: The c.894+1G>A variant in LIPA is a canonical splice donor site variant predicted to affect pre-mRNA splicing, which may result in an abnormal transcript and altered protein product. This variant is expected to result in nonsense mediated decay, truncation, or a dysfunctional protein product. This variant is rare in the general population with a frequency below the threshold expected for the associated phenotype(s). This variant has been observed in one or more individuals affected with the associated recessive disease, as either homozygous or compound heterozygous with a second variant (PMID: 8617513). Functional studies show that this variant may disrupt protein function (PMID: 8617513, 9684740). Given the available evidence, this variant is classified as Pathogenic.

Labcorp Genetics (formerly Invitae), Labcorp
Classification: Pathogenic for Wolman disease. Last evaluated: 2025-02-17. Review status: criteria provided, single submitter. Criteria: Invitae Variant Classification Sherloc (09022015). Collection method: clinical testing. Allele origin: germline.
Comment: This sequence change affects a donor splice site in intron 8 of the LIPA gene. RNA analysis indicates that disruption of this splice site induces altered splicing and likely results in a shortened protein product. This variant is not present in population databases (gnomAD no frequency). Disruption of this splice site has been observed in individual(s) with Wolman disease (PMID: 8617513). ClinVar contains an entry for this variant (Variation ID: 81). Algorithms developed to predict the effect of variants on gene product structure and function are not available or were not evaluated for this variant. Experimental studies have shown that disruption of this splice site affects LIPA function (PMID: 8617513). Studies have shown that disruption of this splice site results in skipping of exon 8, but is expected to preserve the integrity of the reading-frame (PMID: 8617513). For these reasons, this variant has been classified as Pathogenic.

OMIM
Classification: Pathogenic for WOLMAN DISEASE. Last evaluated: 1996-04-01. Review status: no assertion criteria provided. Collection method: literature only. Allele origin: germline. Not counted in ClinVar's aggregate classification.

Literature cited by the submitters: PubMed 8617513 (cited by 3 submitters); PubMed 9684740 (cited by Natera, Inc.).